The following is an entry in ClinVar:

NM_005477.3(HCN4):c.1087A>G (p.Ile363Val)

Genes: HCN4 (hyperpolarization activated cyclic nucleotide gated potassium channel 4; minus strand), LOC105370890 (uncharacterized LOC105370890; plus strand), LOC126862173 (CDK7 strongly-dependent group 2 enhancer GRCh37_chr15:73635762-73636961; plus strand). Cytogenetic location: 15q24.1.
Variant type: single nucleotide variant.
Coding change: c.1087A>G on transcript NM_005477.3 (MANE Select); coding-DNA position 1087, A replaced by G.
Protein change: p.Ile363Val; replaces isoleucine 363 with valine.
Molecular consequence: missense variant.
Genome position (GRCh38, 1-based): chr15:73,343,507, T>C on the plus strand (A>G on the coding strand, the complement: HCN4 is on the minus strand). VCF-style: chr15-73343507-T-C. GRCh37 (hg19) VCF-style: chr15-73635848-T-C.
Other names: short protein forms I363V.
Identifiers: ClinVar variation 650677 (VCV000650677.16), dbSNP rs144168042, ClinGen allele CA7649372.

ClinVar aggregate classification (germline): Uncertain significance. Review status: criteria provided, multiple submitters, no conflicts (2 of 4 stars). 2 submissions from 2 submitters: Uncertain significance (2). Last evaluated 2025-12-22.

Conditions:
Cardiovascular phenotype. Identifiers: MedGen CN230736.
Brugada syndrome 8 (BRGDA8). Identifiers: Orphanet 130, MedGen C2751083, MONDO:0013148, OMIM 613123.

Allele frequency attached by ClinVar (database versions not stated): gnomAD exomes 0.00001 and 0.00002; ExAC 0.00003; TOPMed 0.00004; gnomAD 0.00007 and 0.00008; ESP Exome Variant Server 0.00015.
gnomAD v4.1: 16 of 1,614,066 alleles (0.00099%); highest among the groups gnomAD compares: African/African-American, 0.017%; no homozygotes.

Submissions (2):

Labcorp Genetics (formerly Invitae), Labcorp
Classification: Uncertain significance for Brugada syndrome 8. Last evaluated: 2025-12-22. Review status: criteria provided, single submitter. Criteria: Invitae Variant Classification Sherloc (09022015). Collection method: clinical testing. Allele origin: germline.
Comment: This sequence change replaces isoleucine, which is neutral and non-polar, with valine, which is neutral and non-polar, at codon 363 of the HCN4 protein (p.Ile363Val). This variant is present in population databases (rs144168042, gnomAD 0.02%). This variant has not been reported in the literature in individuals affected with HCN4-related conditions. ClinVar contains an entry for this variant (Variation ID: 650677). Invitae Evidence Modeling of protein sequence and biophysical properties (such as structural, functional, and spatial information, amino acid conservation, physicochemical variation, residue mobility, and thermodynamic stability) indicates that this missense variant is not expected to disrupt HCN4 protein function with a negative predictive value of 95%. In summary, the available evidence is currently insufficient to determine the role of this variant in disease. Therefore, it has been classified as a Variant of Uncertain Significance.

Ambry Genetics
Classification: Uncertain significance for Cardiovascular phenotype. Last evaluated: 2025-07-28. Review status: criteria provided, single submitter. Criteria: Ambry Variant Classification Scheme 2023. Collection method: clinical testing. Allele origin: germline.
Comment: The p.I363V variant (also known as c.1087A>G), located in coding exon 2 of the HCN4 gene, results from an A to G substitution at nucleotide position 1087. The isoleucine at codon 363 is replaced by valine, an amino acid with highly similar properties. This amino acid position is conserved. In addition, the in silico prediction for this alteration is inconclusive. Since supporting evidence is limited at this time, the clinical significance of this alteration remains unclear.